The following is an entry in ClinVar:

NM_007078.3(LDB3):c.576G>A (p.Pro192=)

Gene: LDB3 (LIM domain binding 3; plus strand). Cytogenetic location: 10q23.2.
Variant type: single nucleotide variant.
Coding change: c.576G>A on transcript NM_007078.3 (MANE Select); coding-DNA position 576, G replaced by A.
Protein change: p.Pro192=; no amino-acid change (proline 192 retained).
Molecular consequence: synonymous variant. On other transcripts: intron variant (5).
Genome position (GRCh38, 1-based): chr10:86,681,690, G>A. VCF-style: chr10-86681690-G-A. GRCh37 (hg19) VCF-style: chr10-88441447-G-A.
Other names: p.P192P:CCG>CCA; c.321+1533G>A (NM_001080116.1, NM_001368068.1, NM_001368066.1 and 2 more transcripts); c.576G>A, p.Pro192= (NM_001080115.2, NM_001171610.2, NM_001171611.2 and 3 more transcripts).
Identifiers: ClinVar variation 45547 (VCV000045547.34), dbSNP rs45543741, ClinGen allele CA282601.
Genomic context (GRCh38, chr10:86,681,690, plus strand): 5'-CAGCCCAGAGGGGGCCCGGGACCTACTCGGCCCAAAAGCCCTGCCGGGCTCGAGCCAGCC[G>A]AGGCAATATAACAACCCCATTGGCCTGTACTCGGCAGAGACCCTGAGGGAGATGGCTCAG-3'
Protein context (NP_009009.1, residues 182-202): GPKALPGSSQ[Pro192=]RQYNNPIGLY

ClinVar aggregate classification (germline): Benign/Likely benign. Review status: criteria provided, multiple submitters, no conflicts (2 of 4 stars). 11 submissions from 11 submitters: Benign (6); Likely benign (3). 2 of the submissions do not count toward it. Last evaluated 2026-09-01.

Conditions:
Cardiovascular phenotype. Identifiers: MedGen CN230736.
Cardiomyopathy (CMYO). Also called: Cardiomyopathies. Identifiers: Orphanet 167848, MedGen C0878544, MONDO:0004994, HP:0001638. Inheritance: Various modes of inheritance.
Myofibrillar myopathy 4. Also called: Zaspopathy (type). Identifiers: Orphanet 98912, MedGen C4721886, MONDO:0012277, OMIM 609452.

Allele frequency attached by ClinVar (database versions not stated): TOPMed 0.00279; 1000 Genomes Project 0.00359; 1000 Genomes Project 30x 0.00359.
gnomAD v4.1: 683 of 1,613,638 alleles (0.042%); highest among the groups gnomAD compares: African/African-American, 0.72%; 4 homozygotes.

Submissions (11):

CeGaT Center for Human Genetics Tuebingen
Classification: Likely benign. Last evaluated: 2026-09-01. Review status: criteria provided, single submitter. Criteria: CeGaT Center For Human Genetics Tuebingen Variant Classification Criteria Version 2. Collection method: clinical testing. Allele origin: germline. Affected: yes. Observed: 1 variant allele.
Comment: LDB3: BP4, BP7

Labcorp Genetics (formerly Invitae), Labcorp
Classification: Benign for Myofibrillar myopathy 4. Last evaluated: 2026-01-27. Review status: criteria provided, single submitter. Criteria: Invitae Variant Classification Sherloc (09022015). Collection method: clinical testing. Allele origin: germline.

Blueprint Genetics
Classification: Likely benign. Last evaluated: 2024-11-13. Review status: criteria provided, single submitter. Criteria: ACMG Guidelines, 2015. Collection method: clinical testing. Allele origin: germline.

ARUP Laboratories, Molecular Genetics and Genomics, ARUP Laboratories
Classification: Benign. Last evaluated: 2024-04-29. Review status: criteria provided, single submitter. Criteria: ARUP Molecular Germline Variant Investigation Process 2024. Collection method: clinical testing. Allele origin: germline.

CHEO Genetics Diagnostic Laboratory, Children's Hospital of Eastern Ontario
Classification: Benign for Cardiomyopathy. Last evaluated: 2017-09-26. Review status: criteria provided, single submitter. Criteria: ACMG Guidelines, 2015. Collection method: clinical testing. Allele origin: germline. Study: Canadian Open Genetics Repository.

Ambry Genetics
Classification: Likely benign for Cardiovascular phenotype. Last evaluated: 2016-06-27. Review status: criteria provided, single submitter. Criteria: Ambry Variant Classification Scheme 2023. Collection method: clinical testing. Allele origin: germline.

Women's Health and Genetics/Laboratory Corporation of America, LabCorp
Classification: Benign. Last evaluated: 2016-04-18. Review status: criteria provided, single submitter. Criteria: LabCorp Variant Classification Summary - May 2015. Collection method: clinical testing. Allele origin: germline.
Comment: Variant summary: The c.576G>A variant affects a non-conserved nucleotide, resulting in synonymous amino acid change. 5/5 in silico programs via Alamut predict that this variant does not affect normal splicing. This variant is found in 87/119636 control chromosomes from the large and broad populations of ExAC at a frequency of 0.0007272, which is about 29 times greater than the maximal expected frequency of a pathogenic allele (0.000025), suggesting this variant is benign. In addition, multiple clinical laboratories have classified this variant as benign. Taken together, this variant has been classified as Benign.

GeneDx
Classification: Benign. Last evaluated: 2014-09-12. Review status: criteria provided, single submitter. Criteria: GeneDx Variant Classification (06012015). Collection method: clinical testing. Allele origin: germline. Affected: yes.
Comment: This variant is considered likely benign or benign based on one or more of the following criteria: it is a conservative change, it occurs at a poorly conserved position in the protein, it is predicted to be benign by multiple in silico algorithms, and/or has population frequency not consistent with disease.

Laboratory for Molecular Medicine, Mass General Brigham Personalized Medicine
Classification: Benign. Last evaluated: 2010-06-29. Review status: criteria provided, single submitter. Criteria: LMM Criteria. Collection method: clinical testing. Allele origin: germline. Observed: 6 variant alleles.

Clinical Genetics DNA and cytogenetics Diagnostics Lab, Erasmus MC, Erasmus Medical Center
Classification: Likely benign. Review status: no assertion criteria provided. Collection method: clinical testing. Allele origin: germline. Affected: yes. Study: VKGL Data-share Consensus. Not counted in ClinVar's aggregate classification.

Clinical Genetics, Academic Medical Center
Classification: Benign. Review status: no assertion criteria provided. Collection method: clinical testing. Allele origin: germline. Affected: yes. Study: VKGL Data-share Consensus. Not counted in ClinVar's aggregate classification.